The following is an entry in ClinVar:

ClinVar aggregate classification (germline): Uncertain significance. Review status: criteria provided, multiple submitters, no conflicts (2 of 4 stars). 2 submissions from 2 submitters: Uncertain significance (2). Last evaluated 2025-12-10.

Conditions:
Hereditary cancer-predisposing syndrome. Also called: Tumor predisposition; Hereditary Cancer Syndrome; Neoplastic Syndromes, Hereditary; Hereditary neoplastic syndrome. Identifiers: Orphanet 140162, MedGen C0027672, MeSH D009386, MONDO:0015356.
Familial cancer of breast. Also called: hereditary breast carcinoma; BREAST CANCER, FAMILIAL; Hereditary breast cancer. Identifiers: Orphanet 227535, MedGen C0346153, MONDO:0016419, OMIM 114480. Disease mechanism: loss of function.
Fanconi anemia complementation group J. Also called: BRIP1-Related Fanconi Anemia. Identifiers: Orphanet 84, MedGen C1836860, MONDO:0012187, OMIM 609054.

Submissions (2):

Labcorp Genetics (formerly Invitae), Labcorp
Classification: Uncertain significance for Familial cancer of breast; Fanconi anemia complementation group J. Last evaluated: 2025-12-10. Review status: criteria provided, single submitter. Criteria: Invitae Variant Classification Sherloc (09022015). Collection method: clinical testing. Allele origin: germline.
Comment: This sequence change replaces glutamic acid, which is acidic and polar, with lysine, which is basic and polar, at codon 421 of the BRIP1 protein (p.Glu421Lys). This variant is not present in population databases (gnomAD no frequency). This variant has not been reported in the literature in individuals affected with BRIP1-related conditions. ClinVar contains an entry for this variant (Variation ID: 1010372). Invitae Evidence Modeling of protein sequence and biophysical properties (such as structural, functional, and spatial information, amino acid conservation, physicochemical variation, residue mobility, and thermodynamic stability) has been performed for this missense variant. However, the output from this modeling did not meet the statistical confidence thresholds required to predict the impact of this variant on BRIP1 protein function. In summary, the available evidence is currently insufficient to determine the role of this variant in disease. Therefore, it has been classified as a Variant of Uncertain Significance.

Ambry Genetics
Classification: Uncertain significance for Hereditary cancer-predisposing syndrome. Last evaluated: 2023-02-15. Review status: criteria provided, single submitter. Criteria: Ambry Variant Classification Scheme 2023. Collection method: clinical testing. Allele origin: germline.
Comment: The p.E421K variant (also known as c.1261G>A), located in coding exon 8 of the BRIP1 gene, results from a G to A substitution at nucleotide position 1261. The glutamic acid at codon 421 is replaced by lysine, an amino acid with similar properties. This amino acid position is highly conserved in available vertebrate species. In addition, this alteration is predicted to be deleterious by in silico analysis. Since supporting evidence is limited at this time, the clinical significance of this alteration remains unclear.

NM_032043.3(BRIP1):c.1261G>A (p.Glu421Lys)

Gene: BRIP1 (BRCA1 interacting DNA helicase 1; minus strand). Cytogenetic location: 17q23.2.
Variant type: single nucleotide variant.
Coding change: c.1261G>A on transcript NM_032043.3 (MANE Select); coding-DNA position 1261, G replaced by A.
Protein change: p.Glu421Lys; replaces glutamic acid 421 with lysine.
Molecular consequence: missense variant.
Genome position (GRCh38, 1-based): chr17:61,799,179, C>T on the plus strand (G>A on the coding strand, the complement: BRIP1 is on the minus strand). VCF-style: chr17-61799179-C-T. GRCh37 (hg19) VCF-style: chr17-59876540-C-T.
Other names: short protein forms E421K.
Identifiers: ClinVar variation 1010372 (VCV001010372.12), dbSNP rs2077949016, ClinGen allele CA400483582.